The following is an entry in ClinVar:

NM_001134407.3(GRIN2A):c.646C>G (p.Gln216Glu)

Gene: GRIN2A (glutamate ionotropic receptor NMDA type subunit 2A; minus strand). Cytogenetic location: 16p13.2.
Variant type: single nucleotide variant.
Coding change: c.646C>G on transcript NM_001134407.3 (MANE Select); coding-DNA position 646, C replaced by G.
Protein change: p.Gln216Glu; replaces glutamine 216 with glutamic acid.
Molecular consequence: missense variant.
Genome position (GRCh38, 1-based): chr16:9,938,320, G>C on the plus strand (C>G on the coding strand, the complement: GRIN2A is on the minus strand). VCF-style: chr16-9938320-G-C. GRCh37 (hg19) VCF-style: chr16-10032177-G-C.
Other names: c.646C>G, p.Gln216Glu (NM_000833.5, NM_001134408.2); short protein forms Q216E.
Identifiers: ClinVar variation 4535954 (VCV004535954.1).
Genomic context (GRCh38, chr16:9,938,320, plus strand): 5'-CCTCGTCTTTGGAACAGTAGAGCAAGATGACAGAAGAGTGGATCTTCTTCAGCTGGACTT[G>C]TGTCTTTGCATCCTCAAAGGAAGTGTCCAGTGTGATCACATTCTGCATGTCCCAGCCCAC-3'
Protein context (NP_001127879.1, residues 206-226): LDTSFEDAKT[Gln216Glu]VQLKKIHSSV

ClinVar aggregate classification (germline): Uncertain significance (1 of 4 stars; one submission).

gnomAD v4.1: 1 of 1,613,822 alleles (0.000062%); no homozygotes.

Submission:

Women's Health and Genetics/Laboratory Corporation of America, LabCorp
Classification: Uncertain significance. Last evaluated: 2025-09-26. Review status: criteria provided, single submitter. Criteria: LabCorp Variant Classification Summary - May 2015. Collection method: clinical testing. Allele origin: germline.
Comment: Variant summary: GRIN2A c.646C>G (p.Gln216Glu) results in a conservative amino acid change in the encoded protein sequence. Algorithms developed to predict the effect of missense changes on protein structure and function are either unavailable or do not agree on the potential impact of this missense change. The variant was absent in 251064 control chromosomes. The available data on variant occurrences in the general population are insufficient to allow any conclusion about variant significance. To our knowledge, no occurrence of c.646C>G in individuals affected with GRIN2A-related conditions and no experimental evidence demonstrating its impact on protein function have been reported. No submitters have cited clinical-significance assessments for this variant to ClinVar. Based on the evidence outlined above, the variant was classified as uncertain significance.